The following is an entry in ClinVar:

ClinVar aggregate classification (germline): Uncertain significance (1 of 4 stars; one submission).

Conditions:
Neurodevelopmental disorder with dysmorphic facies and distal skeletal anomalies. Identifiers: MedGen C5231448, MONDO:0032855, OMIM 618659.

Submission:

3billion
Classification: Uncertain significance for Neurodevelopmental disorder with dysmorphic facies and distal skeletal anomalies. Last evaluated: 2025-02-19. Review status: criteria provided, single submitter. Criteria: ACMG Guidelines, 2015. Collection method: clinical testing. Allele origin: germline. Affected: yes.
Comment: The variant is not observed in the gnomAD v4.1.0 dataset. Predicted Consequence/Location: Intron variant In silico tools predict the variant to alter splicing and produce an abnormal transcript [SpliceAI: 1.00 (>=0.2, moderate evidence for spliceogenicity)]. Therefore, this variant is classified as VUS according to the recommendation of ACMG/AMP guideline.

NM_020338.4(ZMIZ1):c.1231-10_1237dup

Gene: ZMIZ1 (zinc finger MIZ-type containing 1; plus strand). Cytogenetic location: 10q22.3.
Variant type: Duplication.
Coding change: c.1231-10_1237dup on transcript NM_020338.4 (MANE Select); 10 bases into the intron before coding-DNA position 1231 through coding-DNA position 1237, 17 bases duplicated (CCCACCACAGCCCAACT).
Molecular consequence: splice acceptor variant.
Genome position (GRCh38, 1-based): chr10:79,296,461-79,296,477, CCCACCACAGCCCAACT duplicated; duplicating any 17 consecutive bases within chr10:79,296,459-79,296,477 gives the same sequence; the c. name uses the placement nearest the transcript's 3' end. VCF-style (leftmost placement, unchanged base first): chr10-79296458-T-TCTCCCACCACAGCCCAA. GRCh37 (hg19) VCF-style: chr10-81056215-T-TCTCCCACCACAGCCCAA.
Identifiers: ClinVar variation 4292714 (VCV004292714.1).
Genomic context (GRCh38, chr10:79,296,458, plus strand): 5'-TGTTCAGGTGACCTGGCTATGTGACGTTGGCAACATTGAACGTGTTTCCCCTCTCCTTTC[T>TCTCCCACCACAGCCCAA]CTCCCACCACAGCCCAACTATGGAAACCAGCAATATGGACCAAACAGCCAGTTCCCCACC-3'